The following is an entry in ClinVar:

NM_001040716.2(PC):c.486G>A (p.Ala162=)

Gene: PC (pyruvate carboxylase; minus strand). Cytogenetic location: 11q13.2.
Variant type: single nucleotide variant.
Coding change: c.486G>A on transcript NM_001040716.2 (MANE Select); coding-DNA position 486, G replaced by A.
Protein change: p.Ala162=; no amino-acid change (alanine 162 retained).
Molecular consequence: synonymous variant.
Genome position (GRCh38, 1-based): chr11:66,871,316, C>T on the plus strand (G>A on the coding strand, the complement: PC is on the minus strand). VCF-style: chr11-66871316-C-T. GRCh37 (hg19) VCF-style: chr11-66638787-C-T.
Other names: c.486G>A, p.Ala162= (NM_000920.4, NM_022172.3).
Identifiers: ClinVar variation 511488 (VCV000511488.7), dbSNP rs142416378, ClinGen allele CA6132216.
Genomic context (GRCh38, chr11:66,871,316, plus strand): 5'-CCCTGCTGGACCCTCTCCAGGAGCTGCGGGGCCACCCCTTGCTTGCCCGTTATATTCACC[C>T]GCAGCAATGGCGATGGCCCGGGCCTCCACCTTGTCTCCCATCTTGCGGACCACTTCTGGG-3'
Protein context (NP_001035806.1, residues 152-172): KVEARAIAIA[Ala162=]GVPVVPGTDA

ClinVar aggregate classification (germline): Conflicting classifications of pathogenicity. Review status: criteria provided, conflicting classifications (1 of 4 stars). 3 submissions from 3 submitters: Uncertain significance (2); Likely benign (1). Last evaluated 2022-10-13.

Conditions:
Pyruvate carboxylase deficiency. Also called: ATAXIA WITH LACTIC ACIDOSIS II; LEIGH NECROTIZING ENCEPHALOPATHY DUE TO PYRUVATE CARBOXYLASE DEFICIENCY; LEIGH SYNDROME DUE TO PYRUVATE CARBOXYLASE DEFICIENCY; PC DEFICIENCY; Pyruvate Carboxylase Deficiency Disease. Identifiers: Orphanet 3008, MedGen C0034341, MONDO:0009949, OMIM 266150.

Allele frequency attached by ClinVar (database versions not stated): ExAC 0.00009; gnomAD exomes 0.00009 and 0.00010; TOPMed 0.00013; ESP Exome Variant Server 0.00015; gnomAD 0.00022 and 0.00024.
gnomAD v4.1: 177 of 1,613,910 alleles (0.011%); highest among the groups gnomAD compares: African/African-American, 0.025%; no homozygotes.

Submissions (3):

Labcorp Genetics (formerly Invitae), Labcorp
Classification: Uncertain significance for Pyruvate carboxylase deficiency. Last evaluated: 2022-10-13. Review status: criteria provided, single submitter. Criteria: Invitae Variant Classification Sherloc (09022015). Collection method: clinical testing. Allele origin: germline.
Comment: This sequence change affects codon 162 of the PC mRNA. It is a 'silent' change, meaning that it does not change the encoded amino acid sequence of the PC protein. It affects a nucleotide within the consensus splice site. This variant is present in population databases (rs142416378, gnomAD 0.02%). This variant has not been reported in the literature in individuals affected with PC-related conditions. ClinVar contains an entry for this variant (Variation ID: 511488). Algorithms developed to predict the effect of sequence changes on RNA splicing suggest that this variant may disrupt the consensus splice site. In summary, the available evidence is currently insufficient to determine the role of this variant in disease. Therefore, it has been classified as a Variant of Uncertain Significance.

Illumina Laboratory Services, Illumina
Classification: Uncertain significance for Pyruvate carboxylase deficiency. Last evaluated: 2018-01-12. Review status: criteria provided, single submitter. Criteria: ICSL Variant Classification Criteria 13 December 2019. Collection method: clinical testing. Allele origin: germline.

GeneDx
Classification: Likely benign. Last evaluated: 2017-08-24. Review status: criteria provided, single submitter. Criteria: GeneDx Variant Classification (06012015). Collection method: clinical testing. Allele origin: germline. Affected: yes.
Comment: This variant is considered likely benign or benign based on one or more of the following criteria: it is a conservative change, it occurs at a poorly conserved position in the protein, it is predicted to be benign by multiple in silico algorithms, and/or has population frequency not consistent with disease.